The following is an entry in ClinVar:

NM_005359.6(SMAD4):c.466ATG[1] (p.Met157del)

Gene: SMAD4 (SMAD family member 4; plus strand). Cytogenetic location: 18q21.2.
Variant type: Microsatellite.
Coding change: c.466ATG[1] on transcript NM_005359.6 (MANE Select); one copy of the 3-base unit ATG starting at c.466; the reference has two copies in a row; one copy, 3 bases deleted; also written c.469_471del.
Protein change: p.Met157del; deletes methionine 157.
Molecular consequence: inframe deletion.
Genome position (GRCh38, 1-based): chr18:51,054,795-51,054,797, ATG deleted; deleting any 3 consecutive bases within chr18:51,054,792-51,054,797 gives the same sequence; the position shown is the placement nearest the transcript's 3' end. VCF-style (leftmost placement, unchanged base first): chr18-51054791-TATG-T. GRCh37 (hg19) VCF-style: chr18-48581161-TATG-T.
Other names: c.469_471delATG (NM_005359.5); c.469_471del (NM_005359.6); short protein forms M157del.
Identifiers: ClinVar variation 185116 (VCV000185116.22), dbSNP rs786201939, ClinGen allele CA191080.

ClinVar aggregate classification (germline): Conflicting classifications of pathogenicity. Review status: criteria provided, conflicting classifications (1 of 4 stars). 7 submissions from 7 submitters: Uncertain significance (4); Benign (1); Likely benign (2). Last evaluated 2025-12-01.

Conditions:
SMAD4-related disorder. Also called: SMAD4-related condition; SMAD4-Related disorders.
Familial thoracic aortic aneurysm and aortic dissection (TAAD). Also called: Thoracic aortic aneurysms and dissections. Identifiers: Orphanet 91387, MedGen C4707243, MONDO:0019625.
Hereditary cancer-predisposing syndrome. Also called: Neoplastic Syndromes, Hereditary; Tumor predisposition; Hereditary neoplastic syndrome; Hereditary Cancer Syndrome. Identifiers: Orphanet 140162, MedGen C0027672, MeSH D009386, MONDO:0015356.
Juvenile polyposis syndrome (JPS). Identifiers: Orphanet 2929, MedGen C0345893, MONDO:0017380, OMIM 174900.
Juvenile polyposis/hereditary hemorrhagic telangiectasia syndrome (JPHT). Also called: Juvenile Polyposis Syndrome / Hereditary Hemorrhagic Telangiectasia (JPS/HHT); TELANGIECTASIA, HEREDITARY HEMORRHAGIC, WITH JUVENILE POLYPOSIS COLI; JP/HHT SYNDROME; JUVENILE POLYPOSIS WITH HEREDITARY HEMORRHAGIC TELANGIECTASIA; POLYPOSIS, GENERALIZED JUVENILE, WITH PULMONARY ARTERIOVENOUS MALFORMATION. Identifiers: Orphanet 2929, MedGen C1832942, MONDO:0008278, OMIM 175050.

Submissions (7):

Labcorp Genetics (formerly Invitae), Labcorp
Classification: Likely benign for Juvenile polyposis syndrome. Last evaluated: 2025-12-01. Review status: criteria provided, single submitter. Criteria: Invitae Variant Classification Sherloc (09022015). Collection method: clinical testing. Allele origin: germline.

PreventionGenetics, part of Exact Sciences
Classification: Likely benign for SMAD4-related condition. Last evaluated: 2025-08-21. Review status: criteria provided, single submitter. Criteria: ACMG Guidelines, 2015. Collection method: clinical testing. Allele origin: germline.
Comment: This variant is classified as likely benign based on ACMG/AMP sequence variant interpretation guidelines (Richards et al. 2015 PMID: 25741868, with internal and published modifications).

Color Diagnostics, LLC DBA Color Health
Classification: Uncertain significance for Hereditary cancer-predisposing syndrome. Last evaluated: 2025-06-13. Review status: criteria provided, single submitter. Criteria: ACMG Guidelines, 2015. Collection method: clinical testing. Allele origin: germline.
Comment: This variant is an in-frame deletion of methionine at codon 157 in exon 5 of the SMAD4 protein. To our knowledge, functional studies have not been reported for this variant. This variant has not been reported in individuals affected with SMAD4-related disorders in the literature. This variant has not been identified in the general population by the Genome Aggregation Database (gnomAD). The available evidence is insufficient to determine the role of this variant in disease conclusively. Therefore, this variant is classified as a Variant of Uncertain Significance.

Ambry Genetics
Classification: Benign for Hereditary cancer-predisposing syndrome; Familial thoracic aortic aneurysm and aortic dissection. Last evaluated: 2024-11-11. Review status: criteria provided, single submitter. Criteria: Ambry Variant Classification Scheme 2023. Collection method: clinical testing. Allele origin: germline.

All of Us Research Program, National Institutes of Health
Classification: Uncertain significance for Juvenile polyposis/hereditary hemorrhagic telangiectasia syndrome. Last evaluated: 2023-10-06. Review status: criteria provided, single submitter. Criteria: ACMG Guidelines, 2015. Collection method: clinical testing. Allele origin: germline. Inheritance: Autosomal dominant inheritance. Observed: 3 variant alleles, 3 heterozygotes.
Comment: This variant is an in-frame deletion of methionine at codon 157 in exon 5 of the SMAD4 protein. To our knowledge, functional studies have not been reported for this variant. This variant has not been reported in individuals affected with SMAD4-related disorders in the literature. This variant has not been identified in the general population by the Genome Aggregation Database (gnomAD). The available evidence is insufficient to determine the role of this variant in disease conclusively. Therefore, this variant is classified as a Variant of Uncertain Significance.

This study involves interpretation of variants in research participants for the purpose of population health screening. Participant phenotype was not available at the time of variant classification. Additional details can be found in publication PMID: 35346344, PMCID: PMC8962531

Baylor Genetics
Classification: Uncertain significance for Juvenile polyposis/hereditary hemorrhagic telangiectasia syndrome. Last evaluated: 2023-09-02. Review status: criteria provided, single submitter. Criteria: ACMG Guidelines, 2015. Collection method: clinical testing. Allele origin: unknown.

Blueprint Genetics
Classification: Uncertain significance. Last evaluated: 2022-03-18. Review status: criteria provided, single submitter. Criteria: ACMG Guidelines, 2015. Collection method: clinical testing. Allele origin: germline.